The following is an entry in ClinVar:

NM_013266.4(CTNNA3):c.2669G>A (p.Arg890Lys)

Gene: CTNNA3 (catenin alpha 3; minus strand). Cytogenetic location: 10q21.3.
Variant type: single nucleotide variant.
Coding change: c.2669G>A on transcript NM_013266.4 (MANE Select); coding-DNA position 2669, G replaced by A.
Protein change: p.Arg890Lys; replaces arginine 890 with lysine.
Molecular consequence: missense variant.
Genome position (GRCh38, 1-based): chr10:65,920,349, C>T on the plus strand (G>A on the coding strand, the complement: CTNNA3 is on the minus strand). VCF-style: chr10-65920349-C-T. GRCh37 (hg19) VCF-style: chr10-67680107-C-T.
Other names: c.2669G>A, p.Arg890Lys (NM_001127384.3); short protein forms R890K.
Identifiers: ClinVar variation 1794524 (VCV001794524.2), dbSNP rs2492365267, ClinGen allele CA377088614.

ClinVar aggregate classification (germline): Uncertain significance (1 of 4 stars; one submission).

Submission:

Ambry Genetics
Classification: Uncertain significance. Last evaluated: 2022-07-11. Review status: criteria provided, single submitter. Criteria: Ambry Variant Classification Scheme 2023. Collection method: clinical testing. Allele origin: germline.
Comment: The p.R890K variant (also known as c.2669G>A), located in coding exon 17 of the CTNNA3 gene, results from a G to A substitution at nucleotide position 2669. The arginine at codon 890 is replaced by lysine, an amino acid with highly similar properties. This amino acid position is conserved. In addition, this alteration is predicted to be tolerated by in silico analysis. Since supporting evidence is limited at this time, the clinical significance of this alteration remains unclear.